The following is an entry in ClinVar:

ClinVar aggregate classification (germline): Uncertain significance (1 of 4 stars; one submission).

gnomAD v4.1: 2 of 1,600,972 alleles (0.00012%); highest among the groups gnomAD compares: Non-Finnish European, 0.00017%; no homozygotes.

Submission:

Labcorp Genetics (formerly Invitae), Labcorp
Classification: Uncertain significance. Last evaluated: 2022-05-14. Review status: criteria provided, single submitter. Criteria: Invitae Variant Classification Sherloc (09022015). Collection method: clinical testing. Allele origin: germline.
Comment: This variant is not present in population databases (gnomAD no frequency). In summary, the available evidence is currently insufficient to determine the role of this variant in disease. Therefore, it has been classified as a Variant of Uncertain Significance. Advanced modeling of protein sequence and biophysical properties (such as structural, functional, and spatial information, amino acid conservation, physicochemical variation, residue mobility, and thermodynamic stability) performed at Invitae indicates that this missense variant is not expected to disrupt COL9A3 protein function. This variant has not been reported in the literature in individuals affected with COL9A3-related conditions. This sequence change replaces proline, which is neutral and non-polar, with serine, which is neutral and polar, at codon 183 of the COL9A3 protein (p.Pro183Ser).

NM_001853.4(COL9A3):c.547C>T (p.Pro183Ser)

Gene: COL9A3 (collagen type IX alpha 3 chain; plus strand). Cytogenetic location: 20q13.33.
Variant type: single nucleotide variant.
Coding change: c.547C>T on transcript NM_001853.4 (MANE Select); coding-DNA position 547, C replaced by T.
Protein change: p.Pro183Ser; replaces proline 183 with serine.
Molecular consequence: missense variant.
Genome position (GRCh38, 1-based): chr20:62,824,472, C>T. VCF-style: chr20-62824472-C-T. GRCh37 (hg19) VCF-style: chr20-61455824-C-T.
Other names: short protein forms P183S.
Identifiers: ClinVar variation 1994467 (VCV001994467.4), dbSNP rs2516037448, ClinGen allele CA409590655.
Genomic context (GRCh38, chr20:62,824,472, plus strand): 5'-TGGGAGGGGTCTGACTGCTCTGTTTTCCGACAGTGCCCAAGTATCTGCCCGCCAGGTCCC[C>T]CAGGGCCCCCTGGAATGCCAGGGTTCAAGGTGAGTCACGGGTGACTGGGACCCAAGCACC-3'
Protein context (NP_001844.3, residues 173-193): QCPSICPPGP[Pro183Ser]GPPGMPGFKG